The following is an entry in ClinVar:

ClinVar aggregate classification (germline): Uncertain significance. Review status: criteria provided, multiple submitters, no conflicts (2 of 4 stars). 4 submissions from 4 submitters: Uncertain significance (4). Last evaluated 2026-06-15.

Conditions:
Distal myopathy with posterior leg and anterior hand involvement. Also called: WILLIAMS DISTAL MYOPATHY. Identifiers: Orphanet 63273, MedGen C3279722, MONDO:0013550, OMIM 614065.
Myofibrillar myopathy 5. Also called: Filaminopathy (type); FILAMINOPATHY, AUTOSOMAL DOMINANT. Identifiers: Orphanet 171445, MedGen C1836050, MONDO:0012289, OMIM 609524.
Hypertrophic cardiomyopathy 26. Also called: Cardiomyopathy, familial hypertrophic, 26. Identifiers: Orphanet 75249, MedGen C4310749, MONDO:0014883, OMIM 617047.
Cardiovascular phenotype. Identifiers: MedGen CN230736.

Allele frequency attached by ClinVar (database versions not stated): gnomAD exomes 0.00001; TOPMed below 0.00001; gnomAD 0.00001.
gnomAD v4.1: 20 of 1,613,900 alleles (0.0012%); highest among the groups gnomAD compares: Non-Finnish European, 0.0016%; no homozygotes.

Submissions (4):

Ambry Genetics
Classification: Uncertain significance for Cardiovascular phenotype. Last evaluated: 2026-06-15. Review status: criteria provided, single submitter. Criteria: Ambry Variant Classification Scheme 2023. Collection method: clinical testing. Allele origin: germline.
Comment: The p.A1282V variant (also known as c.3845C>T), located in coding exon 22 of the FLNC gene, results from a C to T substitution at nucleotide position 3845. The alanine at codon 1282 is replaced by valine, an amino acid with similar properties. This amino acid position is conserved. In addition, this alteration is predicted to be tolerated by in silico analysis. Based on the available evidence, the clinical significance of this variant remains unclear.

Labcorp Genetics (formerly Invitae), Labcorp
Classification: Uncertain significance for Distal myopathy with posterior leg and anterior hand involvement; Myofibrillar myopathy 5; Hypertrophic cardiomyopathy 26. Last evaluated: 2024-03-15. Review status: criteria provided, single submitter. Criteria: Invitae Variant Classification Sherloc (09022015). Collection method: clinical testing. Allele origin: germline.
Comment: This sequence change replaces alanine, which is neutral and non-polar, with valine, which is neutral and non-polar, at codon 1282 of the FLNC protein (p.Ala1282Val). This variant is present in population databases (no rsID available, gnomAD 0.003%). This variant has not been reported in the literature in individuals affected with FLNC-related conditions. ClinVar contains an entry for this variant (Variation ID: 1405381). Advanced modeling of protein sequence and biophysical properties (such as structural, functional, and spatial information, amino acid conservation, physicochemical variation, residue mobility, and thermodynamic stability) has been performed at Invitae for this missense variant, however the output from this modeling did not meet the statistical confidence thresholds required to predict the impact of this variant on FLNC protein function. In summary, the available evidence is currently insufficient to determine the role of this variant in disease. Therefore, it has been classified as a Variant of Uncertain Significance.

GeneDx
Classification: Uncertain significance. Last evaluated: 2022-04-19. Review status: criteria provided, single submitter. Criteria: GeneDx Variant Classification Process June 2021. Collection method: clinical testing. Allele origin: germline. Affected: yes.
Comment: Not observed at significant frequency in large population cohorts (gnomAD); In silico analysis supports that this missense variant does not alter protein structure/function; Has not been previously published as pathogenic or benign to our knowledge

Revvity Omics, Revvity
Classification: Uncertain significance. Last evaluated: 2019-04-18. Review status: criteria provided, single submitter. Criteria: ACMG Guidelines, 2015. Collection method: clinical testing. Allele origin: germline.

NM_001458.5(FLNC):c.3845C>T (p.Ala1282Val)

Gene: FLNC (filamin C; plus strand). Cytogenetic location: 7q32.1.
Variant type: single nucleotide variant.
Coding change: c.3845C>T on transcript NM_001458.5 (MANE Select); coding-DNA position 3845, C replaced by T.
Protein change: p.Ala1282Val; replaces alanine 1282 with valine.
Molecular consequence: missense variant.
Genome position (GRCh38, 1-based): chr7:128,846,044, C>T. VCF-style: chr7-128846044-C-T. GRCh37 (hg19) VCF-style: chr7-128486098-C-T.
Other names: c.3845C>T, p.Ala1282Val (NM_001127487.2); short protein forms A1282V.
Identifiers: ClinVar variation 1405381 (VCV001405381.12), dbSNP rs1256859746, ClinGen allele CA369198515.